The following is an entry in ClinVar:

ClinVar aggregate classification (germline): Uncertain significance (1 of 4 stars; one submission).

Conditions:
Foveal hypoplasia - optic nerve decussation defect - anterior segment dysgenesis syndrome. Also called: Foveal hypoplasia 2; FOVEAL HYPOPLASIA 2 WITH OR WITHOUT OPTIC NERVE MISROUTING AND/OR ANTERIOR SEGMENT DYSGENESIS; FOVEAL HYPOPLASIA 2 WITH OR WITHOUT MICROPHTHALMIA OR COLOBOMA; FOVEAL HYPOPLASIA 2 WITH OPTIC NERVE DECUSSATION DEFECTS AND ANTERIOR SEGMENT DYSGENESIS WITHOUT ALBINISM. Identifiers: Orphanet 397618, MedGen C3807873, MONDO:0012216, OMIM 609218.

gnomAD v4.1: 1 of 1,613,210 alleles (0.000062%); highest among the groups gnomAD compares: Non-Finnish European, 0.000085%; no homozygotes.

Submission:

Institute of Human Genetics, University of Goettingen
Classification: Uncertain significance for Foveal hypoplasia - optic nerve decussation defect - anterior segment dysgenesis syndrome. Last evaluated: 2022-07-13. Review status: criteria provided, single submitter. Criteria: ACMG Guidelines, 2015. Collection method: clinical testing. Allele origin: germline. Inheritance: Autosomal recessive inheritance. Affected: yes. Observed: 1 compound heterozygote.
Comment: The SLC38A8 variant c.749G>C is classified as a Variant of Uncertain Significance (VUS). It is absent from gnomAD [PM2], affects a highly conserved amino acid within a known functional domain [PM1], and is predicted to be deleterious by the majority of in silico tools (10/19) [PP3]. The molecular finding is consistent with aspects of the patient's clinical phenotype. ACMG criteria applied: PM1, PM2, PP3.

NM_001080442.3(SLC38A8):c.749G>C (p.Trp250Ser)

Gene: SLC38A8 (solute carrier family 38 member 8; minus strand). Cytogenetic location: 16q23.3.
Variant type: single nucleotide variant.
Coding change: c.749G>C on transcript NM_001080442.3 (MANE Select); coding-DNA position 749, G replaced by C.
Protein change: p.Trp250Ser; replaces tryptophan 250 with serine.
Molecular consequence: missense variant.
Genome position (GRCh38, 1-based): chr16:84,022,831, C>G on the plus strand (G>C on the coding strand, the complement: SLC38A8 is on the minus strand). VCF-style: chr16-84022831-C-G. GRCh37 (hg19) VCF-style: chr16-84056436-C-G.
Other names: short protein forms W250S.
Identifiers: ClinVar variation 4280664 (VCV004280664.1).